The following is an entry in ClinVar:

NM_004998.4(MYO1E):c.1849C>T (p.Arg617Ter)

Gene: MYO1E (myosin IE; minus strand). Cytogenetic location: 15q22.2.
Variant type: single nucleotide variant.
Coding change: c.1849C>T on transcript NM_004998.4 (MANE Select); coding-DNA position 1849, C replaced by T.
Protein change: p.Arg617Ter; replaces arginine 617 with a stop codon.
Molecular consequence: nonsense.
Genome position (GRCh38, 1-based): chr15:59,188,173, G>A on the plus strand (C>T on the coding strand, the complement: MYO1E is on the minus strand). VCF-style: chr15-59188173-G-A. GRCh37 (hg19) VCF-style: chr15-59480372-G-A.
Other names: short protein forms R617*.
Identifiers: ClinVar variation 2980334 (VCV002980334.3), dbSNP rs1344931713, ClinGen allele CA392641292.
Genomic context (GRCh38, chr15:59,188,173, plus strand): 5'-ATTACCTCTGTAGGAATTTTTGGAAGATGCGCCGATAGGCATAGCCAGCTCTTCTCACTC[G>A]AATGTTCTCTTTCAGACCCAAATATTCGACTTGATGCTTTACCCTGTGCAAAGGAGAAAA-3'

ClinVar aggregate classification (germline): Pathogenic (1 of 4 stars; one submission).

Allele frequency attached by ClinVar (database versions not stated): gnomAD exomes below 0.00001.
gnomAD v4.1: 2 of 1,614,114 alleles (0.00012%); highest among the groups gnomAD compares: Non-Finnish European, 0.00017%; no homozygotes.

Submission:

Labcorp Genetics (formerly Invitae), Labcorp
Classification: Pathogenic. Last evaluated: 2023-08-28. Review status: criteria provided, single submitter. Criteria: Invitae Variant Classification Sherloc (09022015). Collection method: clinical testing. Allele origin: germline.
Comment: This sequence change creates a premature translational stop signal (p.Arg617*) in the MYO1E gene. It is expected to result in an absent or disrupted protein product. Loss-of-function variants in MYO1E are known to be pathogenic (PMID: 21756023, 23595123, 25349199). The frequency data for this variant in the population databases is considered unreliable, as metrics indicate poor data quality at this position in the gnomAD database. This variant has not been reported in the literature in individuals affected with MYO1E-related conditions. For these reasons, this variant has been classified as Pathogenic.

Literature cited by the submitters: PubMed 21756023; PubMed 23595123; PubMed 25349199.